The following is an entry in ClinVar:

NM_000548.5(TSC2):c.5160+7G>A

Gene: TSC2 (TSC complex subunit 2; plus strand). Cytogenetic location: 16p13.3.
Variant type: single nucleotide variant.
Coding change: c.5160+7G>A on transcript NM_000548.5 (MANE Select); 7 bases into the intron after coding-DNA position 5160, G replaced by A.
Molecular consequence: intron variant.
Genome position (GRCh38, 1-based): chr16:2,088,146, G>A. VCF-style: chr16-2088146-G-A. GRCh37 (hg19) VCF-style: chr16-2138147-G-A.
Other names: c.5091+7G>A (NM_001114382.3); c.5031+7G>A (NM_021055.3, NM_001370405.1); c.4962+7G>A (NM_001363528.2); c.5028+7G>A (NM_001370404.1); c.4959+7G>A (NM_001077183.3); c.4851+7G>A (NM_001318827.2); c.4428+7G>A (NM_001318831.2); c.4815+7G>A (NM_001318829.2); and 1 more.
Identifiers: ClinVar variation 748667 (VCV000748667.9), dbSNP rs45506600, ClinGen allele CA915946262.
Genomic context (GRCh38, chr16:2,088,146, plus strand): 5'-GTGTCTGACCGCAACCTGCCCTTCGTGGCCCGCCAGATGGCCCTGCACGCAAATGTGAGT[G>A]GGGGTGGGTCCAGGCGTGAGCTGGTGGGACAGGCCCAGGTGCCACCTGATAGTGAGCTCA-3'

ClinVar aggregate classification (germline): Likely benign. Review status: criteria provided, multiple submitters, no conflicts (2 of 4 stars). 2 submissions from 2 submitters: Likely benign (2). Last evaluated 2025-06-06.

Conditions:
Tuberous sclerosis 2 (TSC2). Identifiers: Orphanet 805, MedGen C1860707, MONDO:0013199, OMIM 613254.

gnomAD v4.1: 1 of 1,612,994 alleles (0.000062%); highest among the groups gnomAD compares: Non-Finnish European, 0.000085%; no homozygotes.

Submissions (2):

Myriad Genetics, Inc.
Classification: Likely benign for Tuberous sclerosis 2. Last evaluated: 2025-06-06. Review status: criteria provided, single submitter. Criteria: Myriad Autosomal Dominant, Autosomal Recessive and X-Linked Classification Criteria (2023). Collection method: clinical testing. Allele origin: unknown.
Comment: This variant is considered likely benign. This variant is intronic and is not expected to impact mRNA splicing.

Labcorp Genetics (formerly Invitae), Labcorp
Classification: Likely benign for Tuberous sclerosis 2. Last evaluated: 2024-03-28. Review status: criteria provided, single submitter. Criteria: Invitae Variant Classification Sherloc (09022015). Collection method: clinical testing. Allele origin: germline.